The following is an entry in ClinVar:

NM_000256.3(MYBPC3):c.1846T>A (p.Phe616Ile)

Gene: MYBPC3 (myosin binding protein C3; minus strand). Cytogenetic location: 11p11.2.
Variant type: single nucleotide variant.
Coding change: c.1846T>A on transcript NM_000256.3 (MANE Select); coding-DNA position 1846, T replaced by A.
Protein change: p.Phe616Ile; replaces phenylalanine 616 with isoleucine.
Molecular consequence: missense variant.
Genome position (GRCh38, 1-based): chr11:47,341,189, A>T on the plus strand (T>A on the coding strand, the complement: MYBPC3 is on the minus strand). VCF-style: chr11-47341189-A-T. GRCh37 (hg19) VCF-style: chr11-47362740-A-T.
Other names: short protein forms F616I.
Identifiers: ClinVar variation 2120394 (VCV002120394.4), dbSNP rs2095888139, ClinGen allele CA380323885.

ClinVar aggregate classification (germline): Uncertain significance (1 of 4 stars; one submission).

Conditions:
Hypertrophic cardiomyopathy. Also called: HYPERTROPHIC MYOCARDIOPATHY. Identifiers: Orphanet 217569, MedGen C0007194, MeSH D002312, MONDO:0005045, HP:0001639.

Submission:

Labcorp Genetics (formerly Invitae), Labcorp
Classification: Uncertain significance for Hypertrophic cardiomyopathy. Last evaluated: 2022-04-01. Review status: criteria provided, single submitter. Criteria: Invitae Variant Classification Sherloc (09022015). Collection method: clinical testing. Allele origin: germline.
Comment: This variant has not been reported in the literature in individuals affected with MYBPC3-related conditions. This variant is not present in population databases (gnomAD no frequency). This sequence change replaces phenylalanine, which is neutral and non-polar, with isoleucine, which is neutral and non-polar, at codon 616 of the MYBPC3 protein (p.Phe616Ile). Algorithms developed to predict the effect of missense changes on protein structure and function are either unavailable or do not agree on the potential impact of this missense change (SIFT: "Deleterious"; PolyPhen-2: "Probably Damaging"; Align-GVGD: "Class C15"). In summary, the available evidence is currently insufficient to determine the role of this variant in disease. Therefore, it has been classified as a Variant of Uncertain Significance.